The following is an entry in ClinVar:

NM_030665.4(RAI1):c.1499C>T (p.Pro500Leu)

Gene: RAI1 (retinoic acid induced 1; plus strand). Cytogenetic location: 17p11.2.
Variant type: single nucleotide variant.
Coding change: c.1499C>T on transcript NM_030665.4 (MANE Select); coding-DNA position 1499, C replaced by T.
Protein change: p.Pro500Leu; replaces proline 500 with leucine.
Molecular consequence: missense variant.
Genome position (GRCh38, 1-based): chr17:17,794,447, C>T. VCF-style: chr17-17794447-C-T. GRCh37 (hg19) VCF-style: chr17-17697761-C-T.
Other names: c.1499C>T (NM_030665.3); short protein forms P500L.
Identifiers: ClinVar variation 196531 (VCV000196531.15), dbSNP rs775231187, ClinGen allele CA243511.

ClinVar aggregate classification (germline): Conflicting classifications of pathogenicity. Review status: criteria provided, conflicting classifications (1 of 4 stars). 4 submissions from 4 submitters: Uncertain significance (1); Likely benign (2). 1 of the submissions does not count toward it. Last evaluated 2025-02-23.

Conditions:
Inborn genetic diseases. Identifiers: MedGen C0950123, MeSH D030342.
RAI1-related disorder. Also called: RAI1-related condition.

Allele frequency attached by ClinVar (database versions not stated): gnomAD exomes 0.00002 and 0.00004; ExAC 0.00004; TOPMed 0.00004; gnomAD 0.00007.
gnomAD v4.1: 46 of 1,612,608 alleles (0.0029%); highest among the groups gnomAD compares: Admixed American, 0.0083%; no homozygotes.

Submissions (4):

Labcorp Genetics (formerly Invitae), Labcorp
Classification: Likely benign. Last evaluated: 2025-02-23. Review status: criteria provided, single submitter. Criteria: Invitae Variant Classification Sherloc (09022015). Collection method: clinical testing. Allele origin: germline.

Ambry Genetics
Classification: Likely benign for Inborn genetic diseases. Last evaluated: 2023-09-22. Review status: criteria provided, single submitter. Criteria: Ambry Variant Classification Scheme 2023. Collection method: clinical testing. Allele origin: germline.

Eurofins Ntd Llc (ga)
Classification: Uncertain significance. Last evaluated: 2015-01-06. Review status: criteria provided, single submitter. Criteria: EGL Classification Definitions 2015. Collection method: clinical testing. Allele origin: germline. Observed: 2 variant alleles, 2 heterozygotes.

PreventionGenetics, part of Exact Sciences
Classification: Likely benign for RAI1-related condition. Last evaluated: 2022-03-17. Review status: no assertion criteria provided. Collection method: clinical testing. Allele origin: germline. Not counted in ClinVar's aggregate classification.
Comment: This variant is classified as likely benign based on ACMG/AMP sequence variant interpretation guidelines (Richards et al. 2015 PMID: 25741868, with internal and published modifications).